The following is an entry in ClinVar:

ClinVar aggregate classification (germline): Pathogenic. Review status: criteria provided, single submitter (1 of 4 stars). 2 submissions from 2 submitters: Pathogenic (1). 1 of the submissions does not count toward it. Last evaluated 2024-05-29.

Conditions:
Duchenne muscular dystrophy (DMD). Also called: Duchenne Muscular Dystrophy (DMD); MUSCULAR DYSTROPHY, PSEUDOHYPERTROPHIC PROGRESSIVE, DUCHENNE TYPE. Identifiers: Orphanet 98896, MedGen C0013264, MONDO:0010679, OMIM 310200.

Submissions (2):

Labcorp Genetics (formerly Invitae), Labcorp
Classification: Pathogenic for Duchenne muscular dystrophy. Last evaluated: 2024-05-29. Review status: criteria provided, single submitter. Criteria: Invitae Variant Classification Sherloc (09022015). Collection method: clinical testing. Allele origin: germline.
Comment: This sequence change affects a donor splice site in intron 22 of the DMD gene. RNA analysis indicates that disruption of this splice site induces altered splicing and may result in an absent or disrupted protein product. This variant is not present in population databases (gnomAD no frequency). Disruption of this splice site has been observed in individual(s) with Duchenne muscular dystrophy (PMID: 11241855). This variant is also known as 3157+1G>T. ClinVar contains an entry for this variant (Variation ID: 2626777). Studies have shown that disruption of this splice site results in skipping of exon 22 and introduces a premature termination codon (PMID: 11241855). The resulting mRNA is expected to undergo nonsense-mediated decay. For these reasons, this variant has been classified as Pathogenic.

Institute of Human Genetics, University of Wuerzburg
Classification: Pathogenic for Duchenne muscular dystrophy. Review status: no assertion criteria provided. Collection method: clinical testing. Allele origin: unknown. Affected: yes. Observed: 1 variant allele. Not counted in ClinVar's aggregate classification.

Literature cited by the submitters: PubMed 11241855 (cited by Labcorp Genetics (formerly Invitae), Labcorp).

NM_004006.3(DMD):c.2949+1G>T

Gene: DMD (dystrophin; minus strand). Cytogenetic location: Xp21.1.
Variant type: single nucleotide variant.
Coding change: c.2949+1G>T on transcript NM_004006.3 (MANE Select); the canonical splice donor site of the intron after coding-DNA position 2949, G replaced by T.
Molecular consequence: splice donor variant.
Genome position (GRCh38, 1-based): chrX:32,472,163, C>A on the plus strand (G>T on the coding strand, the complement: DMD is on the minus strand). VCF-style: chrX-32472163-C-A. GRCh37 (hg19) VCF-style: chrX-32490280-C-A.
Other names: c.2925+1G>T (NM_000109.4); c.2937+1G>T (NM_004009.3); c.2580+1G>T (NM_004010.3).
Identifiers: ClinVar variation 2626777 (VCV002626777.3), dbSNP rs1557374482, ClinGen allele CA412667686.